The following is an entry in ClinVar:

ClinVar aggregate classification (germline): Pathogenic/Likely pathogenic. Review status: criteria provided, multiple submitters, no conflicts (2 of 4 stars). 3 submissions from 3 submitters: Pathogenic (1); Likely pathogenic (1). 1 of the submissions does not count toward it. Last evaluated 2023-08-01.

Conditions:
Long QT syndrome 1 (LQT1). Identifiers: Orphanet 101016, Orphanet 768, MedGen C4551647, MONDO:0100316, OMIM 192500, MONDO:0008646.

Submissions (3):

Molecular Genetics Laboratory - Cardiogenetics, CHU de Nantes
Classification: Pathogenic for Long QT syndrome 1. Last evaluated: 2023-08-01. Review status: criteria provided, single submitter. Criteria: ACMG Guidelines, 2015. Collection method: clinical testing. Allele origin: germline. Affected: yes.

Roden Lab, Vanderbilt University Medical Center
Classification: Likely pathogenic for Long QT syndrome 1. Last evaluated: 2022-10-05. Review status: criteria provided, single submitter. Criteria: ACMG Guidelines, 2015. Collection method: research, in vitro. Allele origin: unknown, not applicable. Functional consequence: sequence_variant_affecting_splicing.
Comment: The KCNQ1 c.1032+5G>T variant occurs in close proximity to the known splice-altering variant c.1032G>A (PMID: 29857160). The variant was observed in 2 cases of LQTS and was absent from large population databases (PMID: 32893267). There was a strong in silico prediction of variant-induced aberrant splicing. Minigene functional studies revealed multiple out-of-frame pseudoexon inclusions. These data collectively enable the classification of this variant as Likely Pathogenic.

ClinVar Staff, National Center for Biotechnology Information (NCBI)
No classification provided. Condition: Long QT syndrome, LQT1 subtype. Review status: no classification provided. Collection method: literature only. Allele origin: germline. Affected: yes. Not counted in ClinVar's aggregate classification.

Literature cited by the submitters: PubMed 36197721 (cited by Roden Lab, Vanderbilt University Medical Center); PubMed 19841300 (cited by ClinVar Staff, National Center for Biotechnology Information (NCBI)).

NM_000218.3(KCNQ1):c.1032+5G>A

Gene: KCNQ1 (potassium voltage-gated channel subfamily Q member 1; plus strand). Cytogenetic location: 11p15.5.
Variant type: single nucleotide variant.
Coding change: c.1032+5G>A on transcript NM_000218.3 (MANE Select); 5 bases into the intron after coding-DNA position 1032, G replaced by A.
Molecular consequence: intron variant.
Genome position (GRCh38, 1-based): chr11:2,583,550, G>A. VCF-style: chr11-2583550-G-A. GRCh37 (hg19) VCF-style: chr11-2604780-G-A.
Other names: c.762+5G>A (NM_001406837.1); c.1032+5G>A (NM_001406836.1); c.588+5G>A (NM_001406838.1); c.651+5G>A (NM_181798.2).
Identifiers: ClinVar variation 52938 (VCV000052938.6), dbSNP rs397508071, ClinGen allele CA004997.
Genomic context (GRCh38, chr11:2,583,550, plus strand): 5'-AGACCATCGCCTCCTGCTTCTCTGTCTTTGCCATCTCCTTCTTTGCGCTCCCAGCGGTAG[G>A]TGCCCCGTGGGTGCGTTTTCCCTGGCTCCTTGGACAGCTGGGGTCCTGGGGTGGCTGCAC-3'